The following is an entry in ClinVar:

NM_199342.4(SVBP):c.82C>T (p.Gln28Ter)

Gene: SVBP (small vasohibin binding protein; minus strand). Cytogenetic location: 1p34.2.
Variant type: single nucleotide variant.
Coding change: c.82C>T on transcript NM_199342.4 (MANE Select); coding-DNA position 82, C replaced by T.
Protein change: p.Gln28Ter; replaces glutamine 28 with a stop codon.
Molecular consequence: nonsense.
Genome position (GRCh38, 1-based): chr1:42,816,463, G>A on the plus strand (C>T on the coding strand, the complement: SVBP is on the minus strand). VCF-style: chr1-42816463-G-A. GRCh37 (hg19) VCF-style: chr1-43282134-G-A.
Other names: short protein forms Q28*.
Identifiers: ClinVar variation 635968 (VCV000635968.9), dbSNP rs1570520175, ClinGen allele CA339945053.

ClinVar aggregate classification (germline): Pathogenic/Likely pathogenic. Review status: criteria provided, multiple submitters, no conflicts (2 of 4 stars). 4 submissions from 4 submitters: Pathogenic (2); Likely pathogenic (1). 1 of the submissions does not count toward it. Last evaluated 2024-10-04.

Conditions:
Microcephaly. Also called: Microcephaly (disease). Identifiers: MedGen C4551563, MONDO:0001149, HP:0000252.
Intellectual disability. Also called: intellectual disabilities; Intellectual developmental disorder; Intellectual functioning disability. Identifiers: MedGen C3714756, MeSH D008607, MONDO:0001071, HP:0001249.
Lower limb spasticity. Identifiers: MedGen C1271100, HP:0002061.
Neurodevelopmental disorder with ataxia.
Neurodevelopmental disorder with ataxia, hypotonia, and microcephaly. Also called: IQBAL NEURODEVELOPMENTAL SYNDROME. Identifiers: MedGen C5231413, MONDO:0032816, OMIM 618569.

Allele frequency attached by ClinVar (database versions not stated): gnomAD exomes below 0.00001.
gnomAD v4.1: 2 of 1,613,930 alleles (0.00012%); highest among the groups gnomAD compares: South Asian, 0.0011%; no homozygotes.

Submissions (4):

Dubai Health Genomic Medicine Center, Dubai Health
Classification: Pathogenic for Neurodevelopmental disorder with ataxia. Last evaluated: 2024-10-04. Review status: criteria provided, single submitter. Criteria: ACMG Guidelines, 2015. Collection method: research. Allele origin: germline. Affected: yes.
Comment: PVS1, PM3, PP1, PM2, PP4

Institute of Human Genetics, University of Leipzig Medical Center
Classification: Likely pathogenic for Neurodevelopmental disorder with ataxia, hypotonia, and microcephaly. Last evaluated: 2019-08-21. Review status: criteria provided, single submitter. Criteria: ACMG Guidelines, 2015. Collection method: research. Allele origin: germline. Affected: yes.

Clinical and Biomedical Sciences, University of Exeter
Classification: Pathogenic for Microcephaly; Lower limb spasticity; Intellectual disability. Last evaluated: 2019-04-04. Review status: criteria provided, single submitter. Criteria: ACMG Guidelines, 2015. Collection method: research. Allele origin: germline. Affected: yes. Observed: 4 variant alleles.

OMIM
Classification: Pathogenic for NEURODEVELOPMENTAL DISORDER WITH ATAXIA, HYPOTONIA, AND MICROCEPHALY. Last evaluated: 2019-12-02. Review status: no assertion criteria provided. Collection method: literature only. Allele origin: germline. Not counted in ClinVar's aggregate classification.

Literature cited by the submitters: PubMed 30607023 (cited by 3 submitters); PubMed 31363758 (cited by Clinical and Biomedical Sciences, University of Exeter and OMIM).